The following is an entry in ClinVar:

ClinVar aggregate classification (germline): Uncertain significance. Review status: criteria provided, multiple submitters, no conflicts (2 of 4 stars). 3 submissions from 3 submitters: Uncertain significance (3). Last evaluated 2024-03-05.

Conditions:
Familial adenomatous polyposis 1 (FAP1). Also called: FAMILIAL ADENOMATOUS POLYPOSIS 1, ATTENUATED; POLYPOSIS, ADENOMATOUS INTESTINAL. Identifiers: MedGen C2713442, MONDO:0021056, OMIM 175100. Disease mechanism: loss of function.
Hereditary cancer-predisposing syndrome. Also called: Hereditary Cancer Syndrome; Hereditary neoplastic syndrome; Tumor predisposition; Neoplastic Syndromes, Hereditary. Identifiers: Orphanet 140162, MedGen C0027672, MeSH D009386, MONDO:0015356.

Allele frequency attached by ClinVar (database versions not stated): gnomAD exomes below 0.00001; TOPMed below 0.00001; ExAC 0.00001.

Submissions (3):

GeneDx
Classification: Uncertain significance. Last evaluated: 2024-03-05. Review status: criteria provided, single submitter. Criteria: GeneDx Variant Classification Process June 2021. Collection method: clinical testing. Allele origin: germline. Affected: yes.
Comment: Not observed at significant frequency in large population cohorts (gnomAD); In silico analysis supports that this missense variant does not alter protein structure/function; Has not been previously published as pathogenic or benign to our knowledge

Ambry Genetics
Classification: Uncertain significance for Hereditary cancer-predisposing syndrome. Last evaluated: 2023-12-28. Review status: criteria provided, single submitter. Criteria: Ambry Variant Classification Scheme 2023. Collection method: clinical testing. Allele origin: germline.
Comment: The p.L87R variant (also known as c.260T>G), located in coding exon 3 of the APC gene, results from a T to G substitution at nucleotide position 260. The leucine at codon 87 is replaced by arginine, an amino acid with dissimilar properties. This amino acid position is highly conserved in available vertebrate species. In addition, in silico predictors for this gene do not accurately predict pathogenicity. Since supporting evidence is limited at this time, the clinical significance of this alteration remains unclear.

Labcorp Genetics (formerly Invitae), Labcorp
Classification: Uncertain significance for Familial adenomatous polyposis 1. Last evaluated: 2020-05-12. Review status: criteria provided, single submitter. Criteria: Invitae Variant Classification Sherloc (09022015). Collection method: clinical testing. Allele origin: germline.
Comment: This variant is present in population databases (rs777456713, ExAC 0.01%). This sequence change replaces leucine with arginine at codon 87 of the APC protein (p.Leu87Arg). The leucine residue is highly conserved and there is a moderate physicochemical difference between leucine and arginine. This variant has not been reported in the literature in individuals with APC-related conditions. In summary, the available evidence is currently insufficient to determine the role of this variant in disease. Therefore, it has been classified as a Variant of Uncertain Significance. Algorithms developed to predict the effect of missense changes on protein structure and function are either unavailable or do not agree on the potential impact of this missense change (SIFT: "Deleterious"; PolyPhen-2: "Benign"; Align-GVGD: "Class C0").

NM_000038.6(APC):c.260T>G (p.Leu87Arg)

Gene: APC (APC regulator of Wnt signaling pathway; plus strand). Cytogenetic location: 5q22.2.
Variant type: single nucleotide variant.
Coding change: c.260T>G on transcript NM_000038.6 (MANE Select); coding-DNA position 260, T replaced by G.
Protein change: p.Leu87Arg; replaces leucine 87 with arginine.
Molecular consequence: missense variant. On other transcripts: 5 prime UTR variant (1).
Genome position (GRCh38, 1-based): chr5:112,767,228, T>G. VCF-style: chr5-112767228-T-G. GRCh37 (hg19) VCF-style: chr5-112102925-T-G.
Other names: c.260T>G, p.Leu87Arg (NM_001127510.3, NM_001354895.2, NM_001354896.2 and 2 more transcripts); c.290T>G, p.Leu97Arg (NM_001127511.3, NM_001354897.2, NM_001354902.2); c.185T>G, p.Leu62Arg (NM_001354898.2, NM_001354904.2); c.83T>G, p.Leu28Arg (NM_001354900.2, NM_001354901.2, NM_001354905.2); c.-776T>G (NM_001354906.2); short protein forms L62R, L87R, L97R, L28R.
Identifiers: ClinVar variation 843300 (VCV000843300.14), dbSNP rs777456713, ClinGen allele CA032801.